The following is an entry in ClinVar:

NM_001378030.1(CCDC78):c.238G>A (p.Glu80Lys)

Gene: CCDC78 (coiled-coil domain containing 78; minus strand). Cytogenetic location: 16p13.3.
Variant type: single nucleotide variant.
Coding change: c.238G>A on transcript NM_001378030.1 (MANE Select); coding-DNA position 238, G replaced by A.
Protein change: p.Glu80Lys; replaces glutamic acid 80 with lysine.
Molecular consequence: missense variant. On other transcripts: 5 prime UTR variant (1), non-coding transcript variant (5).
Genome position (GRCh38, 1-based): chr16:725,823, C>T on the plus strand (G>A on the coding strand, the complement: CCDC78 is on the minus strand). VCF-style: chr16-725823-C-T. GRCh37 (hg19) VCF-style: chr16-775823-C-T.
Other names: c.238G>A, p.Glu80Lys (NM_001031737.3, NM_001378031.1); c.-48G>A (NM_001378033.1); short protein forms E80K.
Identifiers: ClinVar variation 949475 (VCV000949475.11), dbSNP rs549450998, ClinGen allele CA276521007.

ClinVar aggregate classification (germline): Uncertain significance. Review status: criteria provided, multiple submitters, no conflicts (2 of 4 stars). 2 submissions from 2 submitters: Uncertain significance (2). Last evaluated 2024-10-29.

Conditions:
Inborn genetic diseases. Identifiers: MedGen C0950123, MeSH D030342.
Congenital myopathy with internal nuclei and atypical cores. Also called: Myopathy, centronuclear, 4. Identifiers: Orphanet 319160, MedGen C4707232, MONDO:0013890, OMIM 614807.

Allele frequency attached by ClinVar (database versions not stated): gnomAD exomes below 0.00001 and 0.00001; gnomAD 0.00001; 1000 Genomes Project 30x 0.00016; 1000 Genomes Project 0.00020.

Submissions (2):

Ambry Genetics
Classification: Uncertain significance for Inborn genetic diseases. Last evaluated: 2024-10-29. Review status: criteria provided, single submitter. Criteria: Ambry Variant Classification Scheme 2023. Collection method: clinical testing. Allele origin: germline.

Labcorp Genetics (formerly Invitae), Labcorp
Classification: Uncertain significance for Congenital myopathy with internal nuclei and atypical cores. Last evaluated: 2022-08-05. Review status: criteria provided, single submitter. Criteria: Invitae Variant Classification Sherloc (09022015). Collection method: clinical testing. Allele origin: germline.
Comment: In summary, the available evidence is currently insufficient to determine the role of this variant in disease. Therefore, it has been classified as a Variant of Uncertain Significance. Algorithms developed to predict the effect of missense changes on protein structure and function (SIFT, PolyPhen-2, Align-GVGD) all suggest that this variant is likely to be disruptive. ClinVar contains an entry for this variant (Variation ID: 949475). This variant has not been reported in the literature in individuals affected with CCDC78-related conditions. This variant is present in population databases (rs549450998, gnomAD 0.01%). This sequence change replaces glutamic acid, which is acidic and polar, with lysine, which is basic and polar, at codon 80 of the CCDC78 protein (p.Glu80Lys).